The following is an entry in ClinVar:

NM_002397.5(MEF2C):c.259-1G>A

Gene: MEF2C (myocyte enhancer factor 2C; minus strand). Cytogenetic location: 5q14.3.
Variant type: single nucleotide variant.
Coding change: c.259-1G>A on transcript NM_002397.5 (MANE Select); the canonical splice acceptor site of the intron before coding-DNA position 259, G replaced by A.
Molecular consequence: splice acceptor variant. On other transcripts: intron variant (10).
Genome position (GRCh38, 1-based): chr5:88,761,329, C>T on the plus strand (G>A on the coding strand, the complement: MEF2C is on the minus strand). VCF-style: chr5-88761329-C-T. GRCh37 (hg19) VCF-style: chr5-88057146-C-T.
Other names: c.259-1G>A (NM_001364329.2, NM_001364330.2, NM_001364333.2 and 20 more transcripts); c.259-9286G>A (NM_001364344.2, NM_001364355.2, NM_001193349.3 and 3 more transcripts); c.259-204G>A (NM_001364352.2, NM_001364343.2, NM_001131005.2); c.-120-1G>A (NM_001364353.2, NM_001364356.2); c.-24-9286G>A (NM_001364357.2).
Identifiers: ClinVar variation 1214083 (VCV001214083.3), dbSNP rs2152674810, ClinGen allele CA360424745.

ClinVar aggregate classification (germline): Pathogenic (1 of 4 stars; one submission).

Submission:

GeneDx
Classification: Pathogenic. Last evaluated: 2020-01-07. Review status: criteria provided, single submitter. Criteria: GeneDx Variant Classification Process June 2021. Collection method: clinical testing. Allele origin: germline. Affected: yes.
Comment: Canonical splice site variant predicted to result in an in-frame deletion of a critical region; Not observed in large population cohorts (Lek et al., 2016); Has not been previously published as pathogenic or benign to our knowledge